The following is an entry in ClinVar:

NM_000059.4(BRCA2):c.8751_8754+22dup

Gene: BRCA2 (BRCA2 DNA repair associated; plus strand). Cytogenetic location: 13q13.1.
Variant type: Duplication.
Coding change: c.8751_8754+22dup on transcript NM_000059.4 (MANE Select); coding-DNA position 8751 through 22 bases into the intron after coding-DNA position 8754, 26 bases duplicated (TGAGGTGAGAGAGTAAGAGGACATAT).
Molecular consequence: splice donor variant.
Genome position (GRCh38, 1-based): chr13:32,376,788-32,376,813, TGAGGTGAGAGAGTAAGAGGACATAT duplicated; duplicating any 26 consecutive bases within chr13:32,376,787-32,376,813 gives the same sequence; the c. name uses the placement nearest the transcript's 3' end. VCF-style (leftmost placement, unchanged base first): chr13-32376786-C-CTTGAGGTGAGAGAGTAAGAGGACATA. GRCh37 (hg19) VCF-style: chr13-32950923-C-CTTGAGGTGAGAGAGTAAGAGGACATA.
Other names: c.8751_8754+22dup (NM_001432077.1, NM_001406720.1); c.8655_8658+22dup (NM_001406719.1); c.3819_3822+22dup (NM_001406721.1); c.2334_2337+22dup (NM_001406722.1).
Identifiers: ClinVar variation 3482141 (VCV003482141.1).

ClinVar aggregate classification (germline): Uncertain significance (1 of 4 stars; one submission).

Conditions:
Hereditary cancer-predisposing syndrome. Also called: Tumor predisposition; Neoplastic Syndromes, Hereditary; Hereditary Cancer Syndrome; Hereditary neoplastic syndrome. Identifiers: Orphanet 140162, MedGen C0027672, MeSH D009386, MONDO:0015356.

Submission:

Ambry Genetics
Classification: Uncertain significance for Hereditary cancer-predisposing syndrome. Last evaluated: 2024-11-15. Review status: criteria provided, single submitter. Criteria: Ambry Variant Classification Scheme 2023. Collection method: clinical testing. Allele origin: germline.
Comment: The c.8751_8754+22dup26 variant results from a duplication of 26 nucleotides between positions 8751 and 8754+22 and involves the canonical splice donor site after coding exon 20 of the BRCA2 gene. In silico splice site analysis predicts that this alteration will weaken the native splice donor site and will result in the creation or strengthening of a novel splice donor site; however, direct evidence is insufficient at this time (Ambry internal data). The canonical splice donor site is highly conserved in available vertebrate species. Based on the available evidence, the clinical significance of this variant remains unclear.